The following is an entry in ClinVar:

NM_001851.6(COL9A1):c.736C>T (p.Arg246Trp)

Gene: COL9A1 (collagen type IX alpha 1 chain; minus strand). Cytogenetic location: 6q13.
Variant type: single nucleotide variant.
Coding change: c.736C>T on transcript NM_001851.6 (MANE Select); coding-DNA position 736, C replaced by T.
Protein change: p.Arg246Trp; replaces arginine 246 with tryptophan.
Molecular consequence: missense variant.
Genome position (GRCh38, 1-based): chr6:70,283,781, G>A on the plus strand (C>T on the coding strand, the complement: COL9A1 is on the minus strand). VCF-style: chr6-70283781-G-A. GRCh37 (hg19) VCF-style: chr6-70993484-G-A.
Other names: c.736C>T, p.Arg246Trp (NM_001377291.1); short protein forms R246W.
Identifiers: ClinVar variation 1476040 (VCV001476040.5), dbSNP rs138557524, ClinGen allele CA3882731.
Genomic context (GRCh38, chr6:70,283,781, plus strand): 5'-TAGTCAGGGGACTCACCGTTATTCTGGCTGGCAGCTCATGGCAAGTTTCTCTCCTGGGCC[G>A]CAGGGGGTCACAATGGATCAGCATCCATTGAAGTTCAAACTGGAGAAAGGTAGTAGACAG-3'
Protein context (NP_001842.3, residues 236-256): QWMLIHCDPL[Arg246Trp]PRRETCHELP

ClinVar aggregate classification (germline): Uncertain significance (1 of 4 stars; one submission).

Allele frequency attached by ClinVar (database versions not stated): ESP Exome Variant Server 0.00015.
gnomAD v4.1: 19 of 1,611,004 alleles (0.0012%); highest among the groups gnomAD compares: African/African-American, 0.0027%; no homozygotes.

Submission:

Labcorp Genetics (formerly Invitae), Labcorp
Classification: Uncertain significance. Last evaluated: 2021-08-30. Review status: criteria provided, single submitter. Criteria: Invitae Variant Classification Sherloc (09022015). Collection method: clinical testing. Allele origin: germline.
Comment: This sequence change replaces arginine with tryptophan at codon 246 of the COL9A1 protein (p.Arg246Trp). The arginine residue is highly conserved and there is a moderate physicochemical difference between arginine and tryptophan. This variant is present in population databases (rs138557524, ExAC 0.05%). This variant has not been reported in the literature in individuals affected with COL9A1-related conditions. Advanced modeling of protein sequence and biophysical properties (such as structural, functional, and spatial information, amino acid conservation, physicochemical variation, residue mobility, and thermodynamic stability) performed at Invitae indicates that this missense variant is not expected to disrupt COL9A1 protein function. In summary, the available evidence is currently insufficient to determine the role of this variant in disease. Therefore, it has been classified as a Variant of Uncertain Significance.